The following is an entry in ClinVar:

ClinVar aggregate classification (germline): Uncertain significance. Review status: criteria provided, multiple submitters, no conflicts (2 of 4 stars). 2 submissions from 2 submitters: Uncertain significance (2). Last evaluated 2026-05-04.

Conditions:
Inborn genetic diseases. Identifiers: MedGen C0950123, MeSH D030342.

Submissions (2):

Ambry Genetics
Classification: Uncertain significance for Inborn genetic diseases. Last evaluated: 2026-05-04. Review status: criteria provided, single submitter. Criteria: Ambry Variant Classification Scheme 2023. Collection method: clinical testing. Allele origin: germline.
Comment: The p.G996V variant (also known as c.2987G>T), located in coding exon 13 of the ASXL1 gene, results from a G to T substitution at nucleotide position 2987. The glycine at codon 996 is replaced by valine, an amino acid with dissimilar properties. This amino acid position is conserved. In addition, this alteration is predicted to be tolerated by in silico analysis. Based on the available evidence, the clinical significance of this variant remains unclear.

Labcorp Genetics (formerly Invitae), Labcorp
Classification: Uncertain significance. Last evaluated: 2022-07-23. Review status: criteria provided, single submitter. Criteria: Invitae Variant Classification Sherloc (09022015). Collection method: clinical testing. Allele origin: germline.
Comment: This sequence change replaces glycine, which is neutral and non-polar, with valine, which is neutral and non-polar, at codon 996 of the ASXL1 protein (p.Gly996Val). This variant is not present in population databases (gnomAD no frequency). This variant has not been reported in the literature in individuals affected with ASXL1-related conditions. Algorithms developed to predict the effect of missense changes on protein structure and function (SIFT, PolyPhen-2, Align-GVGD) all suggest that this variant is likely to be tolerated. In summary, the available evidence is currently insufficient to determine the role of this variant in disease. Therefore, it has been classified as a Variant of Uncertain Significance.

NM_015338.6(ASXL1):c.2987G>T (p.Gly996Val)

Gene: ASXL1 (ASXL transcriptional regulator 1; plus strand). Cytogenetic location: 20q11.21.
Variant type: single nucleotide variant.
Coding change: c.2987G>T on transcript NM_015338.6 (MANE Select); coding-DNA position 2987, G replaced by T.
Protein change: p.Gly996Val; replaces glycine 996 with valine.
Molecular consequence: missense variant.
Genome position (GRCh38, 1-based): chr20:32,435,699, G>T. VCF-style: chr20-32435699-G-T. GRCh37 (hg19) VCF-style: chr20-31023502-G-T.
Other names: c.2804G>T, p.Gly935Val (NM_001363734.1); short protein forms G935V, G996V.
Identifiers: ClinVar variation 1713523 (VCV001713523.6), dbSNP rs1569334547, ClinGen allele CA408561770.